The following is an entry in ClinVar:

NM_001384125.1(BLTP1):c.1786G>A (p.Asp596Asn)

Gene: BLTP1 (bridge-like lipid transfer protein family member 1; plus strand). Cytogenetic location: 4q27.
Variant type: single nucleotide variant.
Coding change: c.1786G>A on transcript NM_001384125.1 (MANE Select); coding-DNA position 1786, G replaced by A.
Protein change: p.Asp596Asn; replaces aspartic acid 596 with asparagine.
Molecular consequence: missense variant.
Genome position (GRCh38, 1-based): chr4:122,209,192, G>A. VCF-style: chr4-122209192-G-A. GRCh37 (hg19) VCF-style: chr4-123130347-G-A.
Other names: c.1786G>A, p.Asp596Asn (NM_015312.4); short protein forms D596N.
Identifiers: ClinVar variation 1723471 (VCV001723471.2), dbSNP rs777970047, ClinGen allele CA3065743.
Genomic context (GRCh38, chr4:122,209,192, plus strand): 5'-CTTTGGCTTATTATAATTATTTTTTAGGGAGAAGATGTTGATCTTCATTTGTTTCTACCA[G>A]ACTGCCACCCTAGTAAATATTCTTTATTTATGCTGGTAAAAAATTGCCATCCAAATAAGA-3'
Protein context (NP_001371054.1, residues 586-606): EDVDLHLFLP[Asp596Asn]CHPSKYSLFM

ClinVar aggregate classification (germline): Uncertain significance (1 of 4 stars; one submission).

Allele frequency attached by ClinVar (database versions not stated): ExAC 0.00001.
gnomAD v4.1: 1 of 1,611,752 alleles (0.000062%); highest among the groups gnomAD compares: South Asian, 0.0011%; no homozygotes.

Submission:

GeneDx
Classification: Uncertain significance. Last evaluated: 2022-05-11. Review status: criteria provided, single submitter. Criteria: GeneDx Variant Classification Process June 2021. Collection method: clinical testing. Allele origin: germline. Affected: yes.
Comment: Not observed at significant frequency in large population cohorts (gnomAD); In silico analysis supports that this missense variant does not alter protein structure/function; Has not been previously published as pathogenic or benign to our knowledge